The following is an entry in ClinVar:

ClinVar aggregate classification (germline): Likely benign. Review status: criteria provided, multiple submitters, no conflicts (2 of 4 stars). 4 submissions from 4 submitters: Likely benign (4). Last evaluated 2026-06-23.

Conditions:
FGFR3-related disorder. Also called: FGFR3-related disorders.

Allele frequency attached by ClinVar (database versions not stated): gnomAD exomes 0.00003 and 0.00017; gnomAD 0.00006 and 0.00008; TOPMed 0.00007; ExAC 0.00026; 1000 Genomes Project 0.00060; 1000 Genomes Project 30x 0.00062.
gnomAD v4.1: 79 of 1,603,278 alleles (0.0049%); highest among the groups gnomAD compares: East Asian, 0.086%; 1 homozygote.

Submissions (4):

PreventionGenetics, part of Exact Sciences
Classification: Likely benign for FGFR3-related condition. Last evaluated: 2026-06-23. Review status: criteria provided, single submitter. Criteria: ACMG Guidelines, 2015. Collection method: clinical testing. Allele origin: germline.
Comment: This variant is classified as likely benign based on ACMG/AMP sequence variant interpretation guidelines (Richards et al. 2015 PMID: 25741868, with internal and published modifications).

Women's Health and Genetics/Laboratory Corporation of America, LabCorp
Classification: Likely benign. Last evaluated: 2026-04-06. Review status: criteria provided, single submitter. Criteria: LabCorp Variant Classification Summary - May 2015. Collection method: clinical testing. Allele origin: germline.

Labcorp Genetics (formerly Invitae), Labcorp
Classification: Likely benign. Last evaluated: 2025-12-11. Review status: criteria provided, single submitter. Criteria: Invitae Variant Classification Sherloc (09022015). Collection method: clinical testing. Allele origin: germline.

Blueprint Genetics
Classification: Likely benign. Last evaluated: 2024-11-20. Review status: criteria provided, single submitter. Criteria: ACMG Guidelines, 2015. Collection method: clinical testing. Allele origin: germline.

NM_000142.5(FGFR3):c.2331C>T (p.Thr777=)

Gene: FGFR3 (fibroblast growth factor receptor 3; plus strand). Cytogenetic location: 4p16.3.
Variant type: single nucleotide variant.
Coding change: c.2331C>T on transcript NM_000142.5 (MANE Select); coding-DNA position 2331, C replaced by T.
Protein change: p.Thr777=; no amino-acid change (threonine 777 retained).
Molecular consequence: synonymous variant. On other transcripts: missense variant (1), non-coding transcript variant (1).
Genome position (GRCh38, 1-based): chr4:1,807,172, C>T. VCF-style: chr4-1807172-C-T. GRCh37 (hg19) VCF-style: chr4-1808899-C-T.
Other names: c.2337C>T, p.Thr779= (NM_001163213.2); c.2334C>T, p.Thr778= (NM_001354809.2); c.2263C>T, p.Pro755Ser (NM_001354810.2); c.1995C>T, p.Thr665= (NM_022965.4); c.2263C>T (NM_001354810.1); short protein forms P755S.
Identifiers: ClinVar variation 771279 (VCV000771279.14), dbSNP rs189264142, ClinGen allele CA2810843.